The following is an entry in ClinVar:

ClinVar aggregate classification (germline): Uncertain significance. Review status: criteria provided, multiple submitters, no conflicts (2 of 4 stars). 2 submissions from 2 submitters: Uncertain significance (2). Last evaluated 2025-10-15.

Allele frequency attached by ClinVar (database versions not stated): gnomAD exomes below 0.00001.

Submissions (2):

Ambry Genetics
Classification: Uncertain significance. Last evaluated: 2025-10-15. Review status: criteria provided, single submitter. Criteria: Ambry Variant Classification Scheme 2023. Collection method: clinical testing. Allele origin: germline.

Labcorp Genetics (formerly Invitae), Labcorp
Classification: Uncertain significance. Last evaluated: 2022-06-04. Review status: criteria provided, single submitter. Criteria: Invitae Variant Classification Sherloc (09022015). Collection method: clinical testing. Allele origin: germline.
Comment: This sequence change replaces glutamic acid, which is acidic and polar, with lysine, which is basic and polar, at codon 92 of the RCBTB1 protein (p.Glu92Lys). This variant is present in population databases (no rsID available, gnomAD 0.0009%). This variant has not been reported in the literature in individuals affected with RCBTB1-related conditions. ClinVar contains an entry for this variant (Variation ID: 1390050). Algorithms developed to predict the effect of missense changes on protein structure and function are either unavailable or do not agree on the potential impact of this missense change (SIFT: "Deleterious"; PolyPhen-2: "Benign"; Align-GVGD: "Class C0"). In summary, the available evidence is currently insufficient to determine the role of this variant in disease. Therefore, it has been classified as a Variant of Uncertain Significance.

NM_018191.4(RCBTB1):c.274G>A (p.Glu92Lys)

Gene: RCBTB1 (RCC1 and BTB domain containing protein 1; minus strand). Cytogenetic location: 13q14.2.
Variant type: single nucleotide variant.
Coding change: c.274G>A on transcript NM_018191.4 (MANE Select); coding-DNA position 274, G replaced by A.
Protein change: p.Glu92Lys; replaces glutamic acid 92 with lysine.
Molecular consequence: missense variant. On other transcripts: 5 prime UTR variant (1), non-coding transcript variant (2).
Genome position (GRCh38, 1-based): chr13:49,566,621, C>T on the plus strand (G>A on the coding strand, the complement: RCBTB1 is on the minus strand). VCF-style: chr13-49566621-C-T. GRCh37 (hg19) VCF-style: chr13-50140757-C-T.
Other names: c.274G>A, p.Glu92Lys (NM_001352500.2, NM_001352501.2, NM_001352502.2 and 3 more transcripts); c.-336G>A (NM_001352506.2); c.274G>A (NM_018191.3); short protein forms E92K.
Identifiers: ClinVar variation 1390050 (VCV001390050.7), dbSNP rs1203699644, ClinGen allele CA388194822.